The following is an entry in ClinVar:

NM_024675.4(PALB2):c.2292dup (p.Asp765fs)

Gene: PALB2 (partner and localizer of BRCA2; minus strand). Cytogenetic location: 16p12.2.
Variant type: Duplication.
Coding change: c.2292dup on transcript NM_024675.4 (MANE Select); coding-DNA position 2292, one base duplicated (A; older notation c.2292dupA).
Protein change: p.Asp765fs; shifts the reading frame from aspartic acid 765.
Molecular consequence: frameshift variant. On other transcripts: intron variant (1).
Genome position (GRCh38, 1-based): chr16:23,629,862, T duplicated on the plus strand (A on the coding strand, the reverse complement: PALB2 is on the minus strand); the first of 3 consecutive T bases (chr16:23,629,862-23,629,864); duplicating any one gives the same sequence. VCF-style (leftmost placement, unchanged base first): chr16-23629861-C-CT. GRCh37 (hg19) VCF-style: chr16-23641182-C-CT.
Other names: c.2232dup, p.Asp745fs (NM_001407296.1); c.2292dup, p.Asp765fs (NM_001407297.1, NM_001407298.1, NM_001407299.1 and 3 more transcripts); c.1407dup, p.Asp470fs (NM_001407304.1, NM_001407305.1, NM_001407306.1 and 5 more transcripts); c.504dup, p.Asp169fs (NM_001407312.1, NM_001407313.1); c.49-587dup (NM_001407314.1); short protein forms D169fs, D470fs, D745fs, D765fs.
Identifiers: ClinVar variation 2674128 (VCV002674128.1), dbSNP rs2506412992, ClinGen allele CA2695197480.

ClinVar aggregate classification (germline): Pathogenic (1 of 4 stars; one submission).

Conditions:
Familial cancer of breast. Also called: Hereditary breast cancer; BREAST CANCER, FAMILIAL; hereditary breast carcinoma. Identifiers: Orphanet 227535, MedGen C0346153, MONDO:0016419, OMIM 114480. Disease mechanism: loss of function.

Submission:

Myriad Genetics, Inc.
Classification: Pathogenic for Familial cancer of breast. Last evaluated: 2023-09-12. Review status: criteria provided, single submitter. Criteria: Myriad Autosomal Dominant, Autosomal Recessive and X-Linked Classification Criteria (2023). Collection method: clinical testing. Allele origin: unknown.
Comment: This variant is considered pathogenic. This variant creates a frameshift predicted to result in premature protein truncation.